The following is an entry in ClinVar:

NM_001349253.2(SCN11A):c.2450A>G (p.Glu817Gly)

Gene: SCN11A (sodium voltage-gated channel alpha subunit 11; minus strand). Cytogenetic location: 3p22.2.
Variant type: single nucleotide variant.
Coding change: c.2450A>G on transcript NM_001349253.2 (MANE Select); coding-DNA position 2450, A replaced by G.
Protein change: p.Glu817Gly; replaces glutamic acid 817 with glycine.
Molecular consequence: missense variant.
Genome position (GRCh38, 1-based): chr3:38,894,918, T>C on the plus strand (A>G on the coding strand, the complement: SCN11A is on the minus strand). VCF-style: chr3-38894918-T-C. GRCh37 (hg19) VCF-style: chr3-38936409-T-C.
Other names: c.2450A>G, p.Glu817Gly (NM_014139.3); short protein forms E817G.
Identifiers: ClinVar variation 4789988 (VCV004789988.1).

ClinVar aggregate classification (germline): Uncertain significance (1 of 4 stars; one submission).

Conditions:
Familial episodic pain syndrome with predominantly lower limb involvement. Also called: Episodic pain syndrome, familial, 3. Identifiers: Orphanet 391384, Orphanet 391392, MedGen C3809899, MONDO:0014247, OMIM 615552.
Hereditary sensory and autonomic neuropathy type 7. Also called: HSAN VII; Neuropathy, hereditary sensory and autonomic, type VII. Identifiers: Orphanet 391397, MedGen C3809882, MONDO:0014244, OMIM 615548.

Submission:

Labcorp Genetics (formerly Invitae), Labcorp
Classification: Uncertain significance for Familial episodic pain syndrome with predominantly lower limb involvement; Hereditary sensory and autonomic neuropathy type 7. Last evaluated: 2025-03-13. Review status: criteria provided, single submitter. Criteria: Invitae Variant Classification Sherloc (09022015). Collection method: clinical testing. Allele origin: germline.
Comment: This sequence change replaces glutamic acid, which is acidic and polar, with glycine, which is neutral and non-polar, at codon 817 of the SCN11A protein (p.Glu817Gly). This variant is not present in population databases (gnomAD no frequency). This variant has not been reported in the literature in individuals affected with SCN11A-related conditions. Invitae Evidence Modeling of protein sequence and biophysical properties (such as structural, functional, and spatial information, amino acid conservation, physicochemical variation, residue mobility, and thermodynamic stability) indicates that this missense variant is expected to disrupt SCN11A protein function with a positive predictive value of 80%. In summary, the available evidence is currently insufficient to determine the role of this variant in disease. Therefore, it has been classified as a Variant of Uncertain Significance.